The following is an entry in ClinVar:

NM_007363.5(NONO):c.395T>C (p.Met132Thr)

Gene: NONO (non-POU domain containing octamer binding; plus strand). Cytogenetic location: Xq13.1.
Variant type: single nucleotide variant.
Coding change: c.395T>C on transcript NM_007363.5 (MANE Select); coding-DNA position 395, T replaced by C.
Protein change: p.Met132Thr; replaces methionine 132 with threonine.
Molecular consequence: missense variant.
Genome position (GRCh38, 1-based): chrX:71,294,273, T>C. VCF-style: chrX-71294273-T-C. GRCh37 (hg19) VCF-style: chrX-70514123-T-C.
Other names: c.395T>C, p.Met132Thr (NM_001145408.2, NM_001145409.2); c.128T>C, p.Met43Thr (NM_001145410.2); short protein forms M132T, M43T.
Identifiers: ClinVar variation 4755984 (VCV004755984.1).

ClinVar aggregate classification (germline): Uncertain significance (1 of 4 stars; one submission).

Submission:

GeneDx
Classification: Uncertain significance. Last evaluated: 2025-08-05. Review status: criteria provided, single submitter. Criteria: GeneDx Variant Classification Process June 2021. Collection method: clinical testing. Allele origin: germline. Affected: yes.
Comment: Not observed at significant frequency in large population cohorts (gnomAD); In silico analysis suggests that this missense variant does not alter protein structure/function; Has not been previously published as pathogenic or benign to our knowledge